The following is an entry in ClinVar:

ClinVar aggregate classification (germline): Uncertain significance (1 of 4 stars; one submission).

Conditions:
Rubinstein-Taybi syndrome (RSTS). Identifiers: Orphanet 783, MedGen C0035934, MONDO:0019188.

Submission:

Labcorp Genetics (formerly Invitae), Labcorp
Classification: Uncertain significance for Rubinstein-Taybi syndrome. Last evaluated: 2023-11-07. Review status: criteria provided, single submitter. Criteria: Invitae Variant Classification Sherloc (09022015). Collection method: clinical testing. Allele origin: germline.
Comment: This sequence change replaces threonine, which is neutral and polar, with lysine, which is basic and polar, at codon 1261 of the CREBBP protein (p.Thr1261Lys). This variant is not present in population databases (gnomAD no frequency). This variant has not been reported in the literature in individuals affected with CREBBP-related conditions. Experimental studies and prediction algorithms are not available or were not evaluated, and the functional significance of this variant is currently unknown. In summary, the available evidence is currently insufficient to determine the role of this variant in disease. Therefore, it has been classified as a Variant of Uncertain Significance.

NM_004380.3(CREBBP):c.3782C>A (p.Thr1261Lys)

Gene: CREBBP (CREB binding lysine acetyltransferase; minus strand). Cytogenetic location: 16p13.3.
Variant type: single nucleotide variant.
Coding change: c.3782C>A on transcript NM_004380.3 (MANE Select); coding-DNA position 3782, C replaced by A.
Protein change: p.Thr1261Lys; replaces threonine 1261 with lysine.
Molecular consequence: missense variant.
Genome position (GRCh38, 1-based): chr16:3,749,681, G>T on the plus strand (C>A on the coding strand, the complement: CREBBP is on the minus strand). VCF-style: chr16-3749681-G-T. GRCh37 (hg19) VCF-style: chr16-3799682-G-T.
Other names: c.3668C>A, p.Thr1223Lys (NM_001079846.1); short protein forms T1261K, T1223K.
Identifiers: ClinVar variation 2694131 (VCV002694131.3), dbSNP rs1339355417, ClinGen allele CA394567535.